The following is an entry in ClinVar:

ClinVar aggregate classification (germline): Likely benign. Review status: criteria provided, single submitter (1 of 4 stars). 2 submissions from 2 submitters: Likely benign (1). 1 of the submissions does not count toward it. Last evaluated 2024-08-21.

Conditions:
RP1L1-related disorder. Also called: RP1L1-related condition.

Allele frequency attached by ClinVar (database versions not stated): ExAC 0.00006; gnomAD exomes 0.00007; gnomAD 0.00008; TOPMed 0.00013.
gnomAD v4.1: 110 of 1,596,178 alleles (0.0069%); highest among the groups gnomAD compares: Admixed American, 0.02%; no homozygotes.

Submissions (2):

Blueprint Genetics
Classification: Likely benign. Last evaluated: 2024-08-21. Review status: criteria provided, single submitter. Criteria: ACMG Guidelines, 2015. Collection method: clinical testing. Allele origin: germline.

PreventionGenetics, part of Exact Sciences
Classification: Likely benign for RP1L1-related condition. Last evaluated: 2019-09-12. Review status: no assertion criteria provided. Collection method: clinical testing. Allele origin: germline. Not counted in ClinVar's aggregate classification.
Comment: This variant is classified as likely benign based on ACMG/AMP sequence variant interpretation guidelines (Richards et al. 2015 PMID: 25741868, with internal and published modifications).

NM_178857.6(RP1L1):c.4218C>T (p.His1406=)

Gene: RP1L1 (RP1 like 1). Cytogenetic location: 8p23.1.
Variant type: single nucleotide variant.
Coding change: c.4218C>T on transcript NM_178857.6 (MANE Select); coding-DNA position 4218, C replaced by T.
Protein change: p.His1406=; no amino-acid change (histidine 1406 retained).
Molecular consequence: synonymous variant.
Genome position (GRCh38, 1-based): chr8:10,609,880, G>A on the plus strand (C>T on the coding strand, the complement: RP1L1 is on the minus strand). VCF-style: chr8-10609880-G-A. GRCh37 (hg19) VCF-style: chr8-10467390-G-A.
Identifiers: ClinVar variation 3049504 (VCV003049504.3), dbSNP rs746928907, ClinGen allele CA4624100.
Genomic context (GRCh38, chr8:10,609,880, plus strand): 5'-TGGGTCATCTTCCTGGGAGCCTTTCCCATCCGGAGAGCTGGCCTCTGACAATTCCTGCCC[G>A]TGGACGCTTCCTTCTTCTGGAAGTCCTTCCTCTTTGAGACCCTCTTCAAGAGCCTCTCCT-3'
Protein context (NP_849188.4, residues 1396-1416): EEGLPEEGSV[His1406=]GQELSEASSP